The following is an entry in ClinVar:

ClinVar aggregate classification (germline): Conflicting classifications of pathogenicity. Review status: criteria provided, conflicting classifications (1 of 4 stars). 10 submissions from 10 submitters: Uncertain significance (3); Benign (1); Likely benign (4). 2 of the submissions do not count toward it. Last evaluated 2026-02-02.

Conditions:
BRCA2-related cancer predisposition. Identifiers: MedGen CN377758, MONDO:0700269.
Hereditary cancer-predisposing syndrome. Also called: Tumor predisposition; Neoplastic Syndromes, Hereditary; Hereditary neoplastic syndrome; Hereditary Cancer Syndrome. Identifiers: Orphanet 140162, MedGen C0027672, MeSH D009386, MONDO:0015356.
Hereditary breast ovarian cancer syndrome. Also called: Hereditary breast and ovarian cancer; Hereditary breast and ovarian cancer syndrome (HBOC); Hereditary breast and/or ovarian cancer syndrome; Breast and ovarian cancer; Hereditary breast and ovarian cancer syndrome; BRCA1- and BRCA2-Associated Hereditary Breast and Ovarian Cancer. Identifiers: Orphanet 145, MedGen C0677776, MeSH D061325, MONDO:0003582. Disease mechanism: loss of function.
Breast-ovarian cancer, familial, susceptibility to, 2 (BROVCA2). Also called: BRCA2 Hereditary Breast and Ovarian Cancer. Identifiers: Orphanet 145, MedGen C2675520, MONDO:0012933, OMIM 612555. Disease mechanism: loss of function.

Allele frequency attached by ClinVar (database versions not stated): gnomAD exomes below 0.00001 and 0.00002; ExAC 0.00002; TOPMed 0.00006; ESP Exome Variant Server 0.00023.
gnomAD v4.1: 23 of 1,613,516 alleles (0.0014%); highest among the groups gnomAD compares: African/African-American, 0.025%; no homozygotes.

Submissions (10):

Labcorp Genetics (formerly Invitae), Labcorp
Classification: Likely benign for Hereditary breast ovarian cancer syndrome. Last evaluated: 2026-02-02. Review status: criteria provided, single submitter. Criteria: Invitae Variant Classification Sherloc (09022015). Collection method: clinical testing. Allele origin: germline.

Women's Health and Genetics/Laboratory Corporation of America, LabCorp
Classification: Uncertain significance. Last evaluated: 2025-07-09. Review status: criteria provided, single submitter. Criteria: LabCorp Variant Classification Summary - May 2015. Collection method: clinical testing. Allele origin: germline.
Comment: Variant summary: BRCA2 c.6125A>G (p.Gln2042Arg) results in a conservative amino acid change in the encoded protein sequence. Algorithms developed to predict the effect of missense changes on protein structure and function all suggest that this variant is likely to be tolerated. The variant allele was found at a frequency of 1.6e-05 in 250934 control chromosomes, predominantly at a frequency of 0.00025 within the African or African-American subpopulation in the gnomAD database. The available data on variant occurrences in the general population are insufficient to allow any conclusion about variant significance. The variant has been reported in the FLOSSIES database in 3 women older than age 70 years who have never had cancer, providing supporting evidence for a benign role. c.6125A>G has been reported in the literature in individuals affected with Hereditary Breast And Ovarian Cancer Syndrome, however without strong evidence for causality (e.g., Gorringe_2008, Brahim_2022). These reports therefore do not provide unequivocal conclusions about association of the variant with Hereditary Breast And Ovarian Cancer Syndrome. To our knowledge, no experimental evidence demonstrating an impact on protein function has been reported, although functionally validated computational prediction models suggest the variant has a neutral impact on protein function (e.g., Hart_2019). The following publications have been ascertained in the context of this evaluation (PMID: 35858847, 17972171, 31853058, 29884841). ClinVar contains an entry for this variant (Variation ID: 38019). Based on the evidence outlined above, the variant was classified as VUS-possibly benign.

Department of Pathology and Laboratory Medicine, Sinai Health System
Classification: Benign for BRCA2-related cancer predisposition. Last evaluated: 2024-11-18. Review status: criteria provided, single submitter. Criteria: ACMG Guidelines, 2015. Collection method: clinical testing. Allele origin: germline.

GeneDx
Classification: Uncertain significance. Last evaluated: 2024-09-11. Review status: criteria provided, single submitter. Criteria: GeneDx Variant Classification Process June 2021. Collection method: clinical testing. Allele origin: germline. Affected: yes.
Comment: In silico analysis indicates that this missense variant does not alter protein structure/function; Also known as 6353A>G; This variant is associated with the following publications: (PMID: 31131967, 31911673, 32377563, 29884841, 35858847, 31853058)

University of Washington Department of Laboratory Medicine, University of Washington
Classification: Likely benign for Hereditary cancer-predisposing syndrome. Last evaluated: 2023-03-23. Review status: criteria provided, single submitter. Criteria: Dines et al. (Genet Med. 2020). Collection method: curation. Allele origin: germline.
Comment: Missense variant in a coldspot region where missense variants are very unlikely to be pathogenic (PMID:31911673).

BRCA2 exon 11 coldspot. Reclassification based on statistical prior probability.

Quest Diagnostics Nichols Institute San Juan Capistrano
Classification: Uncertain significance. Last evaluated: 2021-05-26. Review status: criteria provided, single submitter. Criteria: Quest Diagnostics criteria. Collection method: clinical testing. Allele origin: unknown.

Ambry Genetics
Classification: Likely benign for Hereditary cancer-predisposing syndrome. Last evaluated: 2020-03-03. Review status: criteria provided, single submitter. Criteria: Ambry Variant Classification Scheme 2023. Collection method: clinical testing. Allele origin: germline.

Color Diagnostics, LLC DBA Color Health
Classification: Likely benign for Hereditary cancer-predisposing syndrome. Last evaluated: 2017-06-20. Review status: criteria provided, single submitter. Criteria: ACMG Guidelines, 2015. Collection method: clinical testing. Allele origin: germline.

Counsyl
Classification: Uncertain significance for Breast-ovarian cancer, familial, susceptibility to, 2. Last evaluated: 2017-02-07. Review status: no assertion criteria provided. Collection method: clinical testing. Allele origin: unknown. Not counted in ClinVar's aggregate classification.

Sharing Clinical Reports Project (SCRP)
Classification: Uncertain significance for Breast-ovarian cancer, familial 2. Last evaluated: 2010-02-20. Review status: no assertion criteria provided. Collection method: clinical testing. Allele origin: germline. Not counted in ClinVar's aggregate classification.

Literature cited by the submitters: PubMed 17972171 (cited by Women's Health and Genetics/Laboratory Corporation of America, LabCorp); PubMed 29884841 (cited by Women's Health and Genetics/Laboratory Corporation of America, LabCorp); PubMed 31853058 (cited by Women's Health and Genetics/Laboratory Corporation of America, LabCorp and Department of Pathology and Laboratory Medicine, Sinai Health System); PubMed 35858847 (cited by Women's Health and Genetics/Laboratory Corporation of America, LabCorp and Department of Pathology and Laboratory Medicine, Sinai Health System).

NM_000059.4(BRCA2):c.6125A>G (p.Gln2042Arg)

Gene: BRCA2 (BRCA2 DNA repair associated; plus strand). Cytogenetic location: 13q13.1.
Variant type: single nucleotide variant.
Coding change: c.6125A>G on transcript NM_000059.4 (MANE Select); coding-DNA position 6125, A replaced by G.
Protein change: p.Gln2042Arg; replaces glutamine 2042 with arginine.
Molecular consequence: missense variant.
Genome position (GRCh38, 1-based): chr13:32,340,480, A>G. VCF-style: chr13-32340480-A-G. GRCh37 (hg19) VCF-style: chr13-32914617-A-G.
Other names: p.Q2042R:CAA>CGA; 6353A>G; short protein forms Q2042R.
Identifiers: ClinVar variation 38019 (VCV000038019.31), dbSNP rs80358852, ClinGen allele CA023680.